The following is an entry in ClinVar:

NM_173628.4(DNAH17):c.7893G>T (p.Ala2631=)

Gene: DNAH17 (dynein axonemal heavy chain 17; minus strand). Cytogenetic location: 17q25.3.
Variant type: single nucleotide variant.
Coding change: c.7893G>T on transcript NM_173628.4 (MANE Select); coding-DNA position 7893, G replaced by T.
Protein change: p.Ala2631=; no amino-acid change (alanine 2631 retained).
Molecular consequence: synonymous variant.
Genome position (GRCh38, 1-based): chr17:78,479,492, C>A on the plus strand (G>T on the coding strand, the complement: DNAH17 is on the minus strand). VCF-style: chr17-78479492-C-A. GRCh37 (hg19) VCF-style: chr17-76475574-C-A.
Identifiers: ClinVar variation 3038285 (VCV003038285.2), dbSNP rs78514572, ClinGen allele CA8802111.

ClinVar aggregate classification (germline): Benign (0 of 4 stars; one submission).

Conditions:
DNAH17-related disorder. Also called: DNAH17-related condition.

Allele frequency attached by ClinVar (database versions not stated): 1000 Genomes Project 0.01438; 1000 Genomes Project 30x 0.01515; ESP Exome Variant Server 0.02387.
gnomAD v4.1: 42,358 of 1,611,218 alleles (2.6%); highest among the groups gnomAD compares: Middle Eastern, 4.4%; 616 homozygotes.

Submission:

PreventionGenetics, part of Exact Sciences
Classification: Benign for DNAH17-related condition. Last evaluated: 2019-02-19. Review status: no assertion criteria provided. Collection method: clinical testing. Allele origin: germline.
Comment: This variant is classified as benign based on ACMG/AMP sequence variant interpretation guidelines (Richards et al. 2015 PMID: 25741868, with internal and published modifications).